The following is an entry in ClinVar:

NM_003002.4(SDHD):c.445_448dup (p.Cys150fs)

Gene: SDHD (succinate dehydrogenase complex subunit D; plus strand). Cytogenetic location: 11q23.1.
Variant type: Duplication.
Coding change: c.445_448dup on transcript NM_003002.4 (MANE Select); coding-DNA positions 445 to 448, 4 bases duplicated (ATCT; older notation c.445_448dupATCT).
Protein change: p.Cys150fs; shifts the reading frame from cysteine 150.
Molecular consequence: frameshift variant. On other transcripts: 3 prime UTR variant (2), non-coding transcript variant (1).
Genome position (GRCh38, 1-based): chr11:112,094,935-112,094,938, ATCT duplicated. VCF-style (leftmost placement, unchanged base first): chr11-112094934-C-CATCT. GRCh37 (hg19) VCF-style: chr11-111965658-C-CATCT.
Other names: c.*42_*45dup (NM_001276503.2); c.328_331dup, p.Cys111fs (NM_001276504.2); c.*143_*146dup (NM_001276506.2); short protein forms C111fs, C150fs.
Identifiers: ClinVar variation 1692741 (VCV001692741.3), dbSNP rs2135277783, ClinGen allele CA2573146853.

ClinVar aggregate classification (germline): Pathogenic/Likely pathogenic. Review status: criteria provided, multiple submitters, no conflicts (2 of 4 stars). 2 submissions from 2 submitters: Pathogenic (1); Likely pathogenic (1). Last evaluated 2023-09-05.

Conditions:
Hereditary cancer-predisposing syndrome. Also called: Hereditary Cancer Syndrome; Hereditary neoplastic syndrome; Neoplastic Syndromes, Hereditary; Tumor predisposition. Identifiers: Orphanet 140162, MedGen C0027672, MeSH D009386, MONDO:0015356.

Submissions (2):

Ambry Genetics
Classification: Pathogenic for Hereditary cancer-predisposing syndrome. Last evaluated: 2023-09-05. Review status: criteria provided, single submitter. Criteria: Ambry Variant Classification Scheme 2023. Collection method: clinical testing. Allele origin: germline.
Comment: The c.445_448dupATCT pathogenic mutation, located in coding exon 4 of the SDHD gene, results from a duplication of ATCT at nucleotide positions 445 to 448, causing a translational frameshift with a predicted alternate stop codon (p.C150Yfs*42). This alteration occurs at the 3' terminus of theSDHD gene, is not expected to trigger nonsense-mediated mRNAdecay and results in the elongation of the protein by 31 amino acids. This frameshift impacts the last 10 amino acids of the native protein. However, frameshifts are typically deleterious in nature and the impacted region is critical for protein function (Ambry internal data). This alteration has been observed in multiple individuals with a personal and/or family history that is consistent with SDHD-related disease (Petramala L et al. Eur J Cardiothorac Surg, 2009 Jan;35:189; Piccini V et al. Endocr Relat Cancer, 2012 Apr;19:149-55; Bacca A et al. Head Neck, 2013 Jan;35:23-7; Gasparotto D et al. J Clin Oncol, 2016 Apr;34:e99-e103; Ambry internal data). This variant is considered to be rare based on population cohorts in the Genome Aggregation Database (gnomAD). Based on the supporting evidence, this alteration is interpreted as a disease-causing mutation.

Sema4
Classification: Likely pathogenic for Hereditary cancer-predisposing syndrome. Last evaluated: 2021-09-15. Review status: criteria provided, single submitter. Criteria: Sema4 Curation Guidelines. Collection method: curation. Allele origin: germline.
Comment: The SDHD c.445_448dupATCT (p.C150YfsX42) variant has been reported in at least 4 individuals with paragangliomas (PMID: 25547508, 22290790, 19027316 ). This variant causes a frameshift at amino acid 150 that results in a termination codon 42 amino acids downstream. The normal protein termination codon is located at amino acid position 160. Therefore this variant modifies the last 10 amino acid sequence of the protein and extends the protein by 32 amino acids. This variant is not reported in the population database Genome Aggregation Database (PMID: 32461654). This variant is not in Clinvar. Based on the current evidence available, this variant is interpreted as likely pathogenic.

Literature cited by the submitters: PubMed 19027316 (cited by Ambry Genetics and Sema4); PubMed 22241717 (cited by Ambry Genetics); PubMed 22290790 (cited by Ambry Genetics and Sema4); PubMed 25547508 (cited by Ambry Genetics and Sema4).